The following is an entry in ClinVar:

ClinVar aggregate classification (germline): Likely benign (0 of 4 stars; one submission).

Conditions:
PLXNA1-related disorder. Also called: PLXNA1-related condition.

Allele frequency attached by ClinVar (database versions not stated): ExAC 0.00012; 1000 Genomes Project 0.00040; gnomAD 0.00041; 1000 Genomes Project 30x 0.00047; ESP Exome Variant Server 0.00054.
gnomAD v4.1: 146 of 1,613,684 alleles (0.009%); highest among the groups gnomAD compares: African/African-American, 0.14%; no homozygotes.

Submission:

PreventionGenetics, part of Exact Sciences
Classification: Likely benign for PLXNA1-related condition. Last evaluated: 2021-08-11. Review status: no assertion criteria provided. Collection method: clinical testing. Allele origin: germline.
Comment: This variant is classified as likely benign based on ACMG/AMP sequence variant interpretation guidelines (Richards et al. 2015 PMID: 25741868, with internal and published modifications).

NM_032242.4(PLXNA1):c.882G>A (p.Ser294=)

Gene: PLXNA1 (plexin A1; plus strand). Cytogenetic location: 3q21.3.
Variant type: single nucleotide variant.
Coding change: c.882G>A on transcript NM_032242.4 (MANE Select); coding-DNA position 882, G replaced by A.
Protein change: p.Ser294=; no amino-acid change (serine 294 retained).
Molecular consequence: synonymous variant.
Genome position (GRCh38, 1-based): chr3:126,989,475, G>A. VCF-style: chr3-126989475-G-A. GRCh37 (hg19) VCF-style: chr3-126708318-G-A.
Identifiers: ClinVar variation 3048763 (VCV003048763.2), dbSNP rs144161897, ClinGen allele CA2593069.